The following is an entry in ClinVar:

ClinVar aggregate classification (germline): Uncertain significance. Review status: criteria provided, multiple submitters, no conflicts (2 of 4 stars). 2 submissions from 2 submitters: Uncertain significance (2). Last evaluated 2025-06-22.

Conditions:
Candidiasis, familial, 9 (CANDF9). Identifiers: Orphanet 1334, MedGen C4225324, MONDO:0014642, OMIM 616445.

Allele frequency attached by ClinVar (database versions not stated): gnomAD 0.00002 and 0.00003; TOPMed 0.00003; ExAC 0.00004; gnomAD exomes 0.00004; ESP Exome Variant Server 0.00008.
gnomAD v4.1: 35 of 1,613,662 alleles (0.0022%); highest among the groups gnomAD compares: African/African-American, 0.004%; no homozygotes.

Submissions (2):

Labcorp Genetics (formerly Invitae), Labcorp
Classification: Uncertain significance for Candidiasis, familial, 9. Last evaluated: 2025-06-22. Review status: criteria provided, single submitter. Criteria: Invitae Variant Classification Sherloc (09022015). Collection method: clinical testing. Allele origin: germline.
Comment: This sequence change replaces valine, which is neutral and non-polar, with methionine, which is neutral and non-polar, at codon 131 of the IL17RC protein (p.Val131Met). This variant is present in population databases (rs201975186, gnomAD 0.008%). This variant has not been reported in the literature in individuals affected with IL17RC-related conditions. ClinVar contains an entry for this variant (Variation ID: 1357681). An algorithm developed to predict the effect of missense changes on protein structure and function (PolyPhen-2) suggests that this variant is likely to be disruptive. In summary, the available evidence is currently insufficient to determine the role of this variant in disease. Therefore, it has been classified as a Variant of Uncertain Significance.

Ambry Genetics
Classification: Uncertain significance. Last evaluated: 2022-06-09. Review status: criteria provided, single submitter. Criteria: Ambry Variant Classification Scheme 2023. Collection method: clinical testing. Allele origin: germline.

NM_153460.4(IL17RC):c.178G>A (p.Val60Met)

Gene: IL17RC (interleukin 17 receptor C; plus strand). Cytogenetic location: 3p25.3.
Variant type: single nucleotide variant.
Coding change: c.178G>A on transcript NM_153460.4 (MANE Select); coding-DNA position 178, G replaced by A.
Protein change: p.Val60Met; replaces valine 60 with methionine.
Molecular consequence: missense variant. On other transcripts: non-coding transcript variant (1).
Genome position (GRCh38, 1-based): chr3:9,917,973, G>A. VCF-style: chr3-9917973-G-A. GRCh37 (hg19) VCF-style: chr3-9959657-G-A.
Other names: c.391G>A (NM_153461.3); c.178G>A, p.Val60Met (NM_001203263.2, NM_001203264.2, NM_001203265.2 and 4 more transcripts); c.391G>A, p.Val131Met (NM_153461.4); short protein forms V60M, V131M.
Identifiers: ClinVar variation 1357681 (VCV001357681.6), dbSNP rs201975186, ClinGen allele CA2246760.